The following is an entry in ClinVar:

NM_181703.4(GJA5):c.232T>G (p.Trp78Gly)

Gene: GJA5 (gap junction protein alpha 5; minus strand). Cytogenetic location: 1q21.2.
Variant type: single nucleotide variant.
Coding change: c.232T>G on transcript NM_181703.4 (MANE Select); coding-DNA position 232, T replaced by G.
Protein change: p.Trp78Gly; replaces tryptophan 78 with glycine.
Molecular consequence: missense variant.
Genome position (GRCh38, 1-based): chr1:147,759,007, A>C on the plus strand (T>G on the coding strand, the complement: GJA5 is on the minus strand). VCF-style: chr1-147759007-A-C. GRCh37 (hg19) VCF-style: chr1-147231115-A-C.
Other names: c.232T>G, p.Trp78Gly (NM_005266.7); short protein forms W78G.
Identifiers: ClinVar variation 3758175 (VCV003758175.2).

ClinVar aggregate classification (germline): Uncertain significance (1 of 4 stars; one submission).

Conditions:
Atrial fibrillation, familial, 11 (ATFB11). Identifiers: MedGen C3279693, MONDO:0013544, OMIM 614049.
Atrial standstill 1 (ATRST1). Also called: ATRIAL CARDIOMYOPATHY WITH HEART BLOCK; CARDIOMYOPATHY, FAMILIAL, WITH CONDUCTION DISTURBANCE; Atrial standstill, digenic (GJA5/SCN5A). Identifiers: Orphanet 1344, MedGen C4551959, MONDO:0007171, OMIM 108770.

gnomAD v4.1: 7 of 1,614,210 alleles (0.00043%); highest among the groups gnomAD compares: Non-Finnish European, 0.00051%; no homozygotes.

Submission:

Labcorp Genetics (formerly Invitae), Labcorp
Classification: Uncertain significance for Atrial fibrillation, familial, 11; Atrial standstill 1. Last evaluated: 2024-04-03. Review status: criteria provided, single submitter. Criteria: Invitae Variant Classification Sherloc (09022015). Collection method: clinical testing. Allele origin: germline.
Comment: This sequence change replaces tryptophan, which is neutral and slightly polar, with glycine, which is neutral and non-polar, at codon 78 of the GJA5 protein (p.Trp78Gly). This variant is not present in population databases (gnomAD no frequency). This variant has not been reported in the literature in individuals affected with GJA5-related conditions. Advanced modeling of protein sequence and biophysical properties (such as structural, functional, and spatial information, amino acid conservation, physicochemical variation, residue mobility, and thermodynamic stability) performed at Invitae indicates that this missense variant is expected to disrupt GJA5 protein function with a positive predictive value of 80%. In summary, the available evidence is currently insufficient to determine the role of this variant in disease. Therefore, it has been classified as a Variant of Uncertain Significance.